The following is an entry in ClinVar:

NM_022168.4(IFIH1):c.1380T>A (p.His460Gln)

Gene: IFIH1 (interferon induced with helicase C domain 1; minus strand). Cytogenetic location: 2q24.2.
Variant type: single nucleotide variant.
Coding change: c.1380T>A on transcript NM_022168.4 (MANE Select); coding-DNA position 1380, T replaced by A.
Protein change: p.His460Gln; replaces histidine 460 with glutamine.
Molecular consequence: missense variant.
Genome position (GRCh38, 1-based): chr2:162,281,472, A>T on the plus strand (T>A on the coding strand, the complement: IFIH1 is on the minus strand). VCF-style: chr2-162281472-A-T. GRCh37 (hg19) VCF-style: chr2-163137982-A-T.
Other names: c.1380T>A (NM_022168.2); short protein forms H460Q.
Identifiers: ClinVar variation 2922859 (VCV002922859.5), dbSNP rs768587118, ClinGen allele CA1934537.

ClinVar aggregate classification (germline): Uncertain significance. Review status: criteria provided, multiple submitters, no conflicts (2 of 4 stars). 3 submissions from 3 submitters: Uncertain significance (3). Last evaluated 2025-12-02.

Conditions:
Singleton-Merten syndrome 1 (SGMRT1). Also called: Widened medullary cavities of bone, aortic calcification, abnormal dentition, and muscular weakness; Syndrome of widened medullary cavities of the metacarpals and phalanges, aortic calcification and abnormal dentition. Identifiers: Orphanet 85191, MedGen C4225427, MONDO:0024535, OMIM 182250.
Aicardi-Goutieres syndrome 7 (AGS7). Identifiers: Orphanet 51, MedGen C3888244, MONDO:0014367, OMIM 615846.
Inborn genetic diseases. Identifiers: MedGen C0950123, MeSH D030342.

Allele frequency attached by ClinVar (database versions not stated): gnomAD exomes below 0.00001; ExAC 0.00001; TOPMed 0.00003; gnomAD 0.00004.
gnomAD v4.1: 10 of 1,612,100 alleles (0.00062%); highest among the groups gnomAD compares: African/African-American, 0.013%; no homozygotes.

Submissions (3):

Labcorp Genetics (formerly Invitae), Labcorp
Classification: Uncertain significance for Aicardi-Goutieres syndrome 7; Singleton-Merten syndrome 1. Last evaluated: 2025-12-02. Review status: criteria provided, single submitter. Criteria: Invitae Variant Classification Sherloc (09022015). Collection method: clinical testing. Allele origin: germline.
Comment: This sequence change replaces histidine, which is basic and polar, with glutamine, which is neutral and polar, at codon 460 of the IFIH1 protein (p.His460Gln). This variant is present in population databases (rs768587118, gnomAD 0.02%). This variant has not been reported in the literature in individuals affected with IFIH1-related conditions. ClinVar contains an entry for this variant (Variation ID: 2922859). Invitae Evidence Modeling of protein sequence and biophysical properties (such as structural, functional, and spatial information, amino acid conservation, physicochemical variation, residue mobility, and thermodynamic stability) has been performed for this missense variant. However, the output from this modeling did not meet the statistical confidence thresholds required to predict the impact of this variant on IFIH1 protein function. In summary, the available evidence is currently insufficient to determine the role of this variant in disease. Therefore, it has been classified as a Variant of Uncertain Significance.

Ambry Genetics
Classification: Uncertain significance for Inborn genetic diseases. Last evaluated: 2025-08-26. Review status: criteria provided, single submitter. Criteria: Ambry Variant Classification Scheme 2023. Collection method: clinical testing. Allele origin: germline.

Blueprint Genetics
Classification: Uncertain significance. Last evaluated: 2023-08-21. Review status: criteria provided, single submitter. Criteria: ACMG Guidelines, 2015. Collection method: clinical testing. Allele origin: germline.